The following is an entry in ClinVar:

NM_080680.3(COL11A2):c.1666-9T>G

Gene: COL11A2 (collagen type XI alpha 2 chain; minus strand). Cytogenetic location: 6p21.32.
Variant type: single nucleotide variant.
Coding change: c.1666-9T>G on transcript NM_080680.3 (MANE Select); 9 bases into the intron before coding-DNA position 1666, T replaced by G.
Molecular consequence: intron variant.
Genome position (GRCh38, 1-based): chr6:33,178,741, A>C on the plus strand (T>G on the coding strand, the complement: COL11A2 is on the minus strand). VCF-style: chr6-33178741-A-C. GRCh37 (hg19) VCF-style: chr6-33146518-A-C.
Other names: c.1345-9T>G (NM_080679.3); c.1408-9T>G (NM_080681.3).
Identifiers: ClinVar variation 504743 (VCV000504743.16), dbSNP rs181999673, ClinGen allele CA3751254.

ClinVar aggregate classification (germline): Benign/Likely benign. Review status: criteria provided, multiple submitters, no conflicts (2 of 4 stars). 4 submissions from 4 submitters: Benign (2); Likely benign (2). Last evaluated 2025-11-12.

Allele frequency attached by ClinVar (database versions not stated): gnomAD exomes 0.00004 and 0.00026; gnomAD 0.00009 and 0.00014; ExAC 0.00028; 1000 Genomes Project 30x 0.00078; 1000 Genomes Project 0.00080; TOPMed 0.00011.
gnomAD v4.1: 78 of 1,612,516 alleles (0.0048%); highest among the groups gnomAD compares: East Asian, 0.16%; no homozygotes.

Submissions (4):

Labcorp Genetics (formerly Invitae), Labcorp
Classification: Benign. Last evaluated: 2025-11-12. Review status: criteria provided, single submitter. Criteria: Invitae Variant Classification Sherloc (09022015). Collection method: clinical testing. Allele origin: germline.

Blueprint Genetics
Classification: Likely benign. Last evaluated: 2023-08-28. Review status: criteria provided, single submitter. Criteria: ACMG Guidelines, 2015. Collection method: clinical testing. Allele origin: germline.

GeneDx
Classification: Likely benign. Last evaluated: 2021-08-05. Review status: criteria provided, single submitter. Criteria: GeneDx Variant Classification Process June 2021. Collection method: clinical testing. Allele origin: germline. Affected: yes.

Laboratory for Molecular Medicine, Mass General Brigham Personalized Medicine
Classification: Benign. Last evaluated: 2016-08-09. Review status: criteria provided, single submitter. Criteria: LMM Criteria. Collection method: clinical testing. Allele origin: germline. Observed: 1 variant allele.
Comment: c.1666-9T>G in intron 17 of COL11A2: This variant is not expected to have clinic al significance because it has been identified in 0.4% (33/8514) of East Asian c hromosomes by the Exome Aggregation Consortium (ExAC .org; dbSNP rs181999673).